The following is an entry in ClinVar:

ClinVar aggregate classification (germline): Uncertain significance (1 of 4 stars; one submission).

Allele frequency attached by ClinVar (database versions not stated): gnomAD 0.00001; TOPMed 0.00001.
gnomAD v4.1: 4 of 1,613,848 alleles (0.00025%); highest among the groups gnomAD compares: South Asian, 0.0033%; no homozygotes.

Submission:

Labcorp Genetics (formerly Invitae), Labcorp
Classification: Uncertain significance. Last evaluated: 2023-12-21. Review status: criteria provided, single submitter. Criteria: Invitae Variant Classification Sherloc (09022015). Collection method: clinical testing. Allele origin: germline.
Comment: This sequence change falls in intron 23 of the CDH23 gene. It does not directly change the encoded amino acid sequence of the CDH23 protein. It affects a nucleotide within the consensus splice site. This variant is not present in population databases (gnomAD no frequency). This variant has not been reported in the literature in individuals affected with CDH23-related conditions. Variants that disrupt the consensus splice site are a relatively common cause of aberrant splicing (PMID: 17576681, 9536098). Algorithms developed to predict the effect of sequence changes on RNA splicing suggest that this variant is not likely to affect RNA splicing. In summary, the available evidence is currently insufficient to determine the role of this variant in disease. Therefore, it has been classified as a Variant of Uncertain Significance.

Literature cited by the submitters: PubMed 17576681; PubMed 9536098.

NM_022124.6(CDH23):c.2588-3C>A

Gene: CDH23 (cadherin related 23; plus strand). Cytogenetic location: 10q22.1.
Variant type: single nucleotide variant.
Coding change: c.2588-3C>A on transcript NM_022124.6 (MANE Select); 3 bases into the intron before coding-DNA position 2588, C replaced by A.
Molecular consequence: intron variant.
Genome position (GRCh38, 1-based): chr10:71,702,546, C>A. VCF-style: chr10-71702546-C-A. GRCh37 (hg19) VCF-style: chr10-73462303-C-A.
Other names: c.2588-3C>A (NM_001171930.2, NM_001171931.2).
Identifiers: ClinVar variation 2879113 (VCV002879113.3), dbSNP rs1865631649, ClinGen allele CA929785839.